The following is an entry in ClinVar:

NM_177438.3(DICER1):c.5026A>T (p.Arg1676Ter)

Gene: DICER1 (dicer 1, ribonuclease III; minus strand). Cytogenetic location: 14q32.13.
Variant type: single nucleotide variant.
Coding change: c.5026A>T on transcript NM_177438.3 (MANE Select); coding-DNA position 5026, A replaced by T.
Protein change: p.Arg1676Ter; replaces arginine 1676 with a stop codon.
Molecular consequence: nonsense.
Genome position (GRCh38, 1-based): chr14:95,095,894, T>A on the plus strand (A>T on the coding strand, the complement: DICER1 is on the minus strand). VCF-style: chr14-95095894-T-A. GRCh37 (hg19) VCF-style: chr14-95562231-T-A.
Other names: c.5026A>T, p.Arg1676Ter (NM_001195573.1, NM_001271282.3, NM_001291628.2 and 1 more transcripts); short protein forms R1676*.
Identifiers: ClinVar variation 1426180 (VCV001426180.7), dbSNP rs2139838411, ClinGen allele CA390866066.
Genomic context (GRCh38, chr14:95,095,894, plus strand): 5'-TATTGTAGTGGTAGGAGGCATGTGTAAAAGCCTGGAGAAGGTAAGCCTTATTCTTGAATC[T>A]GTAGTTGATTTTCTTTTCAAAATTTTCAAACCCCGATATAAGGTGATTCAGTGTTTTATC-3'

ClinVar aggregate classification (germline): Pathogenic (1 of 4 stars; one submission).

Conditions:
DICER1-related tumor predisposition. Also called: DICER1-related pleuropulmonary blastoma cancer predisposition syndrome; DICER1 syndrome. Identifiers: Orphanet 284343, MedGen C3839822, MONDO:0100216.

Submission:

Labcorp Genetics (formerly Invitae), Labcorp
Classification: Pathogenic for DICER1-related tumor predisposition. Last evaluated: 2020-12-12. Review status: criteria provided, single submitter. Criteria: Invitae Variant Classification Sherloc (09022015). Collection method: clinical testing. Allele origin: germline.
Comment: For these reasons, this variant has been classified as Pathogenic. This variant has not been reported in the literature in individuals with DICER1-related conditions. This variant is not present in population databases (ExAC no frequency). This sequence change creates a premature translational stop signal (p.Arg1676*) in the DICER1 gene. It is expected to result in an absent or disrupted protein product. Loss-of-function variants in DICER1 are known to be pathogenic (PMID: 19556464, 21266384).

Literature cited by the submitters: PubMed 19556464; PubMed 21266384.